The following is an entry in ClinVar:

ClinVar aggregate classification (germline): Uncertain significance (1 of 4 stars; one submission).

Conditions:
Inborn genetic diseases. Identifiers: MedGen C0950123, MeSH D030342.

Submission:

Ambry Genetics
Classification: Uncertain significance for Inborn genetic diseases. Last evaluated: 2021-03-02. Review status: criteria provided, single submitter. Criteria: Ambry Variant Classification Scheme 2023. Collection method: clinical testing. Allele origin: germline.
Comment: The c.6268G>T (p.A2090S) alteration is located in exon 40 (coding exon 39) of the HERC2 gene. This alteration results from a G to T substitution at nucleotide position 6268, causing the alanine (A) at amino acid position 2090 to be replaced by a serine (S). The p.A2090S alteration is predicted to be tolerated by in silico analysis. Based on insufficient or conflicting evidence, the clinical significance of this alteration remains unclear.

NM_004667.6(HERC2):c.6268G>T (p.Ala2090Ser)

Gene: HERC2 (HECT and RLD domain containing E3 ubiquitin protein ligase 2; minus strand). Cytogenetic location: 15q13.1.
Variant type: single nucleotide variant.
Coding change: c.6268G>T on transcript NM_004667.6 (MANE Select); coding-DNA position 6268, G replaced by T.
Protein change: p.Ala2090Ser; replaces alanine 2090 with serine.
Molecular consequence: missense variant.
Genome position (GRCh38, 1-based): chr15:28,214,745, C>A on the plus strand (G>T on the coding strand, the complement: HERC2 is on the minus strand). VCF-style: chr15-28214745-C-A. GRCh37 (hg19) VCF-style: chr15-28459891-C-A.
Other names: short protein forms A2090S.
Identifiers: ClinVar variation 2229223 (VCV002229223.2), dbSNP rs2549149635, ClinGen allele CA391401606.
Genomic context (GRCh38, chr15:28,214,745, plus strand): 5'-TAGTGAGCAAGCTTCCCAAGAAGTCAAACAGCTTCTCCACGAGGCATTTCATGTCCCTCG[C>A]CCTTTCGGTCTTGTCCCATGATGGAAGGACTGCTTGCAACAAATGCACAGCTAAGATCTG-3'
Protein context (NP_004658.3, residues 2080-2100): VLPSWDKTER[Ala2090Ser]RDMKCLVEKL